The following is an entry in ClinVar:

ClinVar aggregate classification (germline): Uncertain significance (1 of 4 stars; one submission).

Conditions:
Hereditary cancer-predisposing syndrome. Also called: Hereditary neoplastic syndrome; Neoplastic Syndromes, Hereditary; Tumor predisposition; Hereditary Cancer Syndrome. Identifiers: Orphanet 140162, MedGen C0027672, MeSH D009386, MONDO:0015356.

Submission:

Ambry Genetics
Classification: Uncertain significance for Hereditary cancer-predisposing syndrome. Last evaluated: 2024-12-31. Review status: criteria provided, single submitter. Criteria: Ambry Variant Classification Scheme 2023. Collection method: clinical testing. Allele origin: germline.
Comment: The p.D98G variant (also known as c.293A>G), located in coding exon 3 of the EPCAM gene, results from an A to G substitution at nucleotide position 293. The aspartic acid at codon 98 is replaced by glycine, an amino acid with similar properties. This amino acid position is conserved. In addition, this alteration is predicted to be tolerated by in silico analysis. Based on the available evidence, the clinical significance of this variant remains unclear.

NM_002354.3(EPCAM):c.293A>G (p.Asp98Gly)

Gene: EPCAM (epithelial cell adhesion molecule; plus strand). Cytogenetic location: 2p21.
Variant type: single nucleotide variant.
Coding change: c.293A>G on transcript NM_002354.3 (MANE Select); coding-DNA position 293, A replaced by G.
Protein change: p.Asp98Gly; replaces aspartic acid 98 with glycine.
Molecular consequence: missense variant.
Genome position (GRCh38, 1-based): chr2:47,373,916, A>G. VCF-style: chr2-47373916-A-G. GRCh37 (hg19) VCF-style: chr2-47601055-A-G.
Other names: short protein forms D98G.
Identifiers: ClinVar variation 3845291 (VCV003845291.1).
Genomic context (GRCh38, chr2:47,373,916, plus strand): 5'-TTGGGAGAAGAGCAAAACCTGAAGGGGCCCTCCAGAACAATGATGGGCTTTATGATCCTG[A>G]CTGCGATGAGAGCGGGCTCTTTAAGGCCAAGCAGTGCAACGGCACCTCCATGTGCTGGTG-3'
Protein context (NP_002345.2, residues 88-108): LQNNDGLYDP[Asp98Gly]CDESGLFKAK